The following is an entry in ClinVar:

ClinVar aggregate classification (germline): Uncertain significance (1 of 4 stars; one submission).

Conditions:
Fanconi anemia (FA). Also called: Fanconi's anemia. Identifiers: Orphanet 84, MedGen C0015625, MeSH D005199, MONDO:0019391.

Allele frequency attached by ClinVar (database versions not stated): ExAC 0.00001; gnomAD 0.00001; 1000 Genomes Project 30x 0.00016; 1000 Genomes Project 0.00020.
gnomAD v4.1: 1 of 1,613,802 alleles (0.000062%); highest among the groups gnomAD compares: Admixed American, 0.0017%; no homozygotes.

Submission:

Labcorp Genetics (formerly Invitae), Labcorp
Classification: Uncertain significance for Fanconi anemia. Last evaluated: 2022-08-21. Review status: criteria provided, single submitter. Criteria: Invitae Variant Classification Sherloc (09022015). Collection method: clinical testing. Allele origin: germline.
Comment: This variant is present in population databases (rs575204533, gnomAD 0.003%). This sequence change replaces glutamine, which is neutral and polar, with leucine, which is neutral and non-polar, at codon 718 of the FANCD2 protein (p.Gln718Leu). This variant has not been reported in the literature in individuals affected with FANCD2-related conditions. In summary, the available evidence is currently insufficient to determine the role of this variant in disease. Therefore, it has been classified as a Variant of Uncertain Significance. Algorithms developed to predict the effect of missense changes on protein structure and function (SIFT, PolyPhen-2, Align-GVGD) all suggest that this variant is likely to be tolerated.

NM_001018115.3(FANCD2):c.2153A>T (p.Gln718Leu)

Genes: FANCD2 (FA complementation group D2; plus strand), LOC107303338 (3p25 FANCD2 Alu-mediated recombination region; plus strand). Cytogenetic location: 3p25.3.
Variant type: single nucleotide variant.
Coding change: c.2153A>T on transcript NM_001018115.3 (MANE Select); coding-DNA position 2153, A replaced by T.
Protein change: p.Gln718Leu; replaces glutamine 718 with leucine.
Molecular consequence: missense variant.
Genome position (GRCh38, 1-based): chr3:10,064,860, A>T. VCF-style: chr3-10064860-A-T. GRCh37 (hg19) VCF-style: chr3-10106544-A-T.
Other names: c.2153A>T, p.Gln718Leu (NM_001319984.2, NM_001374254.1, NM_033084.6); c.2042A>T, p.Gln681Leu (NM_001374253.1); short protein forms Q718L, Q681L.
Identifiers: ClinVar variation 2153193 (VCV002153193.2), dbSNP rs575204533, ClinGen allele CA2249975.